The following is an entry in ClinVar:

ClinVar aggregate classification (germline): Uncertain significance. Review status: criteria provided, multiple submitters, no conflicts (2 of 4 stars). 2 submissions from 2 submitters: Uncertain significance (2). Last evaluated 2023-03-28.

Conditions:
Kabuki syndrome 1 (KABUK1). Also called: KMT2D-Related Kabuki Syndrome. Identifiers: Orphanet 2322, MedGen CN030661, MONDO:0007843, OMIM 147920.

Allele frequency attached by ClinVar (database versions not stated): gnomAD exomes below 0.00001.
gnomAD v4.1: 1 of 1,552,086 alleles (0.000064%); highest among the groups gnomAD compares: Non-Finnish European, 0.000087%; no homozygotes.

Submissions (2):

GeneDx
Classification: Uncertain significance. Last evaluated: 2023-03-28. Review status: criteria provided, single submitter. Criteria: GeneDx Variant Classification Process June 2021. Collection method: clinical testing. Allele origin: germline. Affected: yes.
Comment: Not observed at significant frequency in large population cohorts (gnomAD); In silico analysis supports that this missense variant has a deleterious effect on protein structure/function; Has not been previously published as pathogenic or benign to our knowledge

Neuberg Centre For Genomic Medicine, NCGM
Classification: Uncertain significance for Kabuki syndrome 1. Review status: criteria provided, single submitter. Criteria: ACMG Guidelines, 2015. Collection method: clinical testing. Allele origin: germline. Inheritance: Autosomal dominant inheritance. Affected: yes.
Comment: The missense c.8486T>C(p.Met2829Thr) variant in KMT2D gene has not been reported previously as a pathogenic variant nor as a benign variant, to our knowledge. The p.Met2829Thr variant is absent in gnomAD Exomes. This variant has not been submitted to the ClinVar database. Computational evidence (Polyphen - Possibly Damaging, SIFT - Damaging and MutationTaster - Polymorphism) predicts conflicting evidence on protein structure and function for this variant. The reference amino acid at this position in KMT2D is predicted as conserved by GERP++ and PhyloP across 100 vertebrates. The amino acid Met at position 2829 is changed to a Thr changing protein sequence and it might alter its composition and physico-chemical properties. For these reasons, this variant has been classified as Variant of Uncertain Significance (VUS).

NM_003482.4(KMT2D):c.8486T>C (p.Met2829Thr)

Gene: KMT2D (lysine methyltransferase 2D; minus strand). Cytogenetic location: 12q13.12.
Variant type: single nucleotide variant.
Coding change: c.8486T>C on transcript NM_003482.4 (MANE Select); coding-DNA position 8486, T replaced by C.
Protein change: p.Met2829Thr; replaces methionine 2829 with threonine.
Molecular consequence: missense variant.
Genome position (GRCh38, 1-based): chr12:49,038,870, A>G on the plus strand (T>C on the coding strand, the complement: KMT2D is on the minus strand). VCF-style: chr12-49038870-A-G. GRCh37 (hg19) VCF-style: chr12-49432653-A-G.
Other names: short protein forms M2829T.
Identifiers: ClinVar variation 2581823 (VCV002581823.2), dbSNP rs2120505152, ClinGen allele CA384742100.